The following is an entry in ClinVar:

ClinVar aggregate classification (germline): Pathogenic (1 of 4 stars; one submission).

Submission:

ISCA Site 6
Classification: Pathogenic. Last evaluated: 2011-08-12. Review status: criteria provided, single submitter. Criteria: Kaminsky et al. (Genet Med. 2011). Collection method: clinical testing. Allele origin: de novo. Affected: yes. Observed: 1 variant allele.
Comment: Copy number variation identified through the course of routine clinical cytogenomic testing in postnatal populations. Clinical assertions have been curated as described in Kaminsky et al. 2011.

GRCh38/hg38 19p13.3(chr19:233565-4699472)x3

Genes: HDGFL2 (HDGF like 2; plus strand), HMG20B (high mobility group 20B; plus strand), IZUMO4 (IZUMO family member 4; plus strand), JSRP1 (junctional sarcoplasmic reticulum protein 1; minus strand), KISS1R (KISS1 receptor; plus strand) and 686 more. Cytogenetic location: 19p13.3.
Variant type: copy number gain.
Change: copy number 3 (three copies instead of two) of chr19:233,565-4,699,472 (4.47 Mb, GRCh38 coordinates, 1-based), cytogenetic band 19p13.3.
Identifiers: ClinVar variation 58787 (VCV000058787.2).